The following is an entry in ClinVar:

NM_001109977.3(FHIP1A):c.12G>A (p.Ser4=)

Gene: FHIP1A (FHF complex subunit HOOK interacting protein 1A; plus strand). Cytogenetic location: 4q31.3.
Variant type: single nucleotide variant.
Coding change: c.12G>A on transcript NM_001109977.3 (MANE Select); coding-DNA position 12, G replaced by A.
Protein change: p.Ser4=; no amino-acid change (serine 4 retained).
Molecular consequence: synonymous variant.
Genome position (GRCh38, 1-based): chr4:151,566,271, G>A. VCF-style: chr4-151566271-G-A. GRCh37 (hg19) VCF-style: chr4-152487423-G-A.
Other names: c.12G>A, p.Ser4= (NM_001348694.2).
Identifiers: ClinVar variation 2655125 (VCV002655125.24), dbSNP rs116521641, ClinGen allele CA3105210.

ClinVar aggregate classification (germline): Likely benign (1 of 4 stars; one submission).

Allele frequency attached by ClinVar (database versions not stated): ExAC 0.00134; ESP Exome Variant Server 0.00263; gnomAD 0.00308; TOPMed 0.00382; 1000 Genomes Project 0.00459; 1000 Genomes Project 30x 0.00500.
gnomAD v4.1: 999 of 1,548,470 alleles (0.065%); highest among the groups gnomAD compares: African/African-American, 0.97%; 6 homozygotes.

Submission:

CeGaT Center for Human Genetics Tuebingen
Classification: Likely benign. Last evaluated: 2023-04-01. Review status: criteria provided, single submitter. Criteria: CeGaT Center For Human Genetics Tuebingen Variant Classification Criteria Version 2. Collection method: clinical testing. Allele origin: germline. Affected: yes. Observed: 1 variant allele.
Comment: FHIP1A: BP4, BP7, BS2